The following is an entry in ClinVar:

ClinVar aggregate classification (germline): Likely benign. Review status: criteria provided, multiple submitters, no conflicts (2 of 4 stars). 3 submissions from 3 submitters: Likely benign (3). Last evaluated 2026-02-01.

Conditions:
Joubert syndrome. Also called: Familial aplasia of the vermis; JOUBERT-BOLTSHAUSER SYNDROME. Identifiers: Orphanet 475, MedGen C5979921, MONDO:0018772.
AHI1-related disorder. Also called: AHI1-related condition.

Allele frequency attached by ClinVar (database versions not stated): ExAC 0.00006; gnomAD exomes 0.00006; 1000 Genomes Project 30x 0.00016; 1000 Genomes Project 0.00020; ESP Exome Variant Server 0.00025; TOPMed 0.00025; gnomAD 0.00027 and 0.00028.
gnomAD v4.1: 74 of 1,478,510 alleles (0.005%); highest among the groups gnomAD compares: African/African-American, 0.092%; no homozygotes.

Submissions (3):

Labcorp Genetics (formerly Invitae), Labcorp
Classification: Likely benign for Joubert syndrome. Last evaluated: 2026-02-01. Review status: criteria provided, single submitter. Criteria: Invitae Variant Classification Sherloc (09022015). Collection method: clinical testing. Allele origin: germline.

PreventionGenetics, part of Exact Sciences
Classification: Likely benign for AHI1-related condition. Last evaluated: 2025-06-25. Review status: criteria provided, single submitter. Criteria: ACMG Guidelines, 2015. Collection method: clinical testing. Allele origin: germline.
Comment: This variant is classified as likely benign based on ACMG/AMP sequence variant interpretation guidelines (Richards et al. 2015 PMID: 25741868, with internal and published modifications).

Blueprint Genetics
Classification: Likely benign. Last evaluated: 2024-08-06. Review status: criteria provided, single submitter. Criteria: ACMG Guidelines, 2015. Collection method: clinical testing. Allele origin: germline.

NM_001134831.2(AHI1):c.729C>T (p.Val243=)

Gene: AHI1 (Abelson helper integration site 1; minus strand). Cytogenetic location: 6q23.3.
Variant type: single nucleotide variant.
Coding change: c.729C>T on transcript NM_001134831.2 (MANE Select); coding-DNA position 729, C replaced by T.
Protein change: p.Val243=; no amino-acid change (valine 243 retained).
Molecular consequence: synonymous variant.
Genome position (GRCh38, 1-based): chr6:135,465,834, G>A on the plus strand (C>T on the coding strand, the complement: AHI1 is on the minus strand). VCF-style: chr6-135465834-G-A. GRCh37 (hg19) VCF-style: chr6-135786972-G-A.
Other names: c.729C>T, p.Val243= (NM_001134830.2, NM_001134832.2, NM_001350503.2 and 2 more transcripts).
Identifiers: ClinVar variation 695285 (VCV000695285.13), dbSNP rs370392354, ClinGen allele CA4012774.